The following is an entry in ClinVar:

ClinVar aggregate classification (germline): Likely benign (1 of 4 stars; one submission).

gnomAD v4.1: 127 of 1,613,946 alleles (0.0079%); highest among the groups gnomAD compares: South Asian, 0.061%; no homozygotes.

Submission:

CeGaT Center for Human Genetics Tuebingen
Classification: Likely benign. Last evaluated: 2026-04-01. Review status: criteria provided, single submitter. Criteria: CeGaT Center For Human Genetics Tuebingen Variant Classification Criteria Version 2. Collection method: clinical testing. Allele origin: germline. Affected: yes. Observed: 1 variant allele.
Comment: BAZ2B: BP4, BP7

NM_013450.4(BAZ2B):c.5064C>T (p.Ala1688=)

Gene: BAZ2B (bromodomain adjacent to zinc finger domain 2B; minus strand). Cytogenetic location: 2q24.2.
Variant type: single nucleotide variant.
Coding change: c.5064C>T on transcript NM_013450.4 (MANE Select); coding-DNA position 5064, C replaced by T.
Protein change: p.Ala1688=; no amino-acid change (alanine 1688 retained).
Molecular consequence: synonymous variant.
Genome position (GRCh38, 1-based): chr2:159,349,080, G>A on the plus strand (C>T on the coding strand, the complement: BAZ2B is on the minus strand). VCF-style: chr2-159349080-G-A. GRCh37 (hg19) VCF-style: chr2-160205591-G-A.
Other names: c.4956C>T, p.Ala1652= (NM_001289975.1); c.4902C>T, p.Ala1634= (NM_001329857.2); c.4989C>T, p.Ala1663= (NM_001329858.2).
Identifiers: ClinVar variation 4872866 (VCV004872866.2).